The following is an entry in ClinVar:

NM_005853.6(IRX5):c.1265A>G (p.His422Arg)

Gene: IRX5 (iroquois homeobox 5; plus strand). Cytogenetic location: 16q12.2.
Variant type: single nucleotide variant.
Coding change: c.1265A>G on transcript NM_005853.6 (MANE Select); coding-DNA position 1265, A replaced by G.
Protein change: p.His422Arg; replaces histidine 422 with arginine.
Molecular consequence: missense variant.
Genome position (GRCh38, 1-based): chr16:54,933,686, A>G. VCF-style: chr16-54933686-A-G. GRCh37 (hg19) VCF-style: chr16-54967598-A-G.
Other names: c.1262A>G, p.His421Arg (NM_001252197.1); short protein forms H422R, H421R.
Identifiers: ClinVar variation 2063931 (VCV002063931.4), dbSNP rs143660069, ClinGen allele CA8059364.

ClinVar aggregate classification (germline): Uncertain significance. Review status: criteria provided, multiple submitters, no conflicts (2 of 4 stars). 2 submissions from 2 submitters: Uncertain significance (2). Last evaluated 2024-10-30.

Conditions:
Inborn genetic diseases. Identifiers: MedGen C0950123, MeSH D030342.

Allele frequency attached by ClinVar (database versions not stated): ExAC 0.00022; ESP Exome Variant Server 0.00023.

Submissions (2):

Labcorp Genetics (formerly Invitae), Labcorp
Classification: Uncertain significance. Last evaluated: 2024-10-30. Review status: criteria provided, single submitter. Criteria: Invitae Variant Classification Sherloc (09022015). Collection method: clinical testing. Allele origin: germline.
Comment: This sequence change replaces histidine, which is basic and polar, with arginine, which is basic and polar, at codon 422 of the IRX5 protein (p.His422Arg). This variant is present in population databases (rs143660069, gnomAD 0.04%). This variant has not been reported in the literature in individuals affected with IRX5-related conditions. ClinVar contains an entry for this variant (Variation ID: 2063931). Invitae Evidence Modeling of protein sequence and biophysical properties (such as structural, functional, and spatial information, amino acid conservation, physicochemical variation, residue mobility, and thermodynamic stability) has been performed for this missense variant. However, the output from this modeling did not meet the statistical confidence thresholds required to predict the impact of this variant on IRX5 protein function. In summary, the available evidence is currently insufficient to determine the role of this variant in disease. Therefore, it has been classified as a Variant of Uncertain Significance.

Ambry Genetics
Classification: Uncertain significance for Inborn genetic diseases. Last evaluated: 2024-03-19. Review status: criteria provided, single submitter. Criteria: Ambry Variant Classification Scheme 2023. Collection method: clinical testing. Allele origin: germline.